The following is an entry in ClinVar:

NM_198428.3(BBS9):c.658C>T (p.Gln220Ter)

Gene: BBS9 (Bardet-Biedl syndrome 9; plus strand). Cytogenetic location: 7p14.3.
Variant type: single nucleotide variant.
Coding change: c.658C>T on transcript NM_198428.3 (MANE Select); coding-DNA position 658, C replaced by T.
Protein change: p.Gln220Ter; replaces glutamine 220 with a stop codon.
Molecular consequence: nonsense. On other transcripts: non-coding transcript variant (3).
Genome position (GRCh38, 1-based): chr7:33,264,330, C>T. VCF-style: chr7-33264330-C-T. GRCh37 (hg19) VCF-style: chr7-33303942-C-T.
Other names: c.658C>T, p.Gln220Ter (NM_001033604.2, NM_001033605.2, NM_001348036.1 and 5 more transcripts); c.292C>T, p.Gln98Ter (NM_001348037.3, NM_001348044.3, NM_001348045.3 and 1 more transcripts); c.385C>T, p.Gln129Ter (NM_001348038.3, NM_001348039.3); c.523C>T, p.Gln175Ter (NM_001348042.3); short protein forms Q129*, Q175*, Q220*, Q98*.
Identifiers: ClinVar variation 3370919 (VCV003370919.1).

ClinVar aggregate classification (germline): Likely pathogenic (1 of 4 stars; one submission).

Submission:

GeneDx
Classification: Likely pathogenic. Last evaluated: 2024-03-13. Review status: criteria provided, single submitter. Criteria: GeneDx Variant Classification Process June 2021. Collection method: clinical testing. Allele origin: germline. Affected: yes.
Comment: Nonsense variant predicted to result in protein truncation or nonsense mediated decay in a gene for which loss of function is a known mechanism of disease; Not observed at significant frequency in large population cohorts (gnomAD); Has not been previously published as pathogenic or benign to our knowledge